The following is an entry in ClinVar:

ClinVar aggregate classification (germline): Uncertain significance (1 of 4 stars; one submission).

Conditions:
Inborn genetic diseases. Identifiers: MedGen C0950123, MeSH D030342.

Submission:

Ambry Genetics
Classification: Uncertain significance for Inborn genetic diseases. Last evaluated: 2025-09-04. Review status: criteria provided, single submitter. Criteria: Ambry Variant Classification Scheme 2023. Collection method: clinical testing. Allele origin: germline.
Comment: The p.G486A variant (also known as c.1457G>C), located in coding exon 8 of the MECOM gene, results from a G to C substitution at nucleotide position 1457. The glycine at codon 486 is replaced by alanine, an amino acid with similar properties. This amino acid position is conserved. In addition, this alteration is predicted to be tolerated by in silico analysis. Based on the available evidence, the clinical significance of this variant remains unclear.

NM_004991.4(MECOM):c.1457G>C (p.Gly486Ala)

Gene: MECOM (MDS1 and EVI1 complex locus; minus strand). Cytogenetic location: 3q26.2.
Variant type: single nucleotide variant.
Coding change: c.1457G>C on transcript NM_004991.4 (MANE Select); coding-DNA position 1457, G replaced by C.
Protein change: p.Gly486Ala; replaces glycine 486 with alanine.
Molecular consequence: missense variant. On other transcripts: intron variant (2).
Genome position (GRCh38, 1-based): chr3:169,116,415, C>G on the plus strand (G>C on the coding strand, the complement: MECOM is on the minus strand). VCF-style: chr3-169116415-C-G. GRCh37 (hg19) VCF-style: chr3-168834203-C-G.
Other names: c.1088G>C, p.Gly363Ala (NM_001105077.4); c.893G>C, p.Gly298Ala (NM_001105078.4, NM_001164000.2, NM_001205194.2 and 4 more transcripts); c.896G>C, p.Gly299Ala (NM_001163999.2, NM_001366467.2, NM_001366468.2 and 1 more transcripts); c.1457G>C, p.Gly486Ala (NM_001366466.2); c.1133-648G>C (NM_001366473.2); c.569-648G>C (NM_001366474.2); short protein forms G299A, G363A, G298A, G486A.
Identifiers: ClinVar variation 4105909 (VCV004105909.1).